The following is an entry in ClinVar:

ClinVar aggregate classification (germline): Uncertain significance. Review status: criteria provided, multiple submitters, no conflicts (2 of 4 stars). 2 submissions from 2 submitters: Uncertain significance (2). Last evaluated 2024-03-06.

Conditions:
Cardiomyopathy (CMYO). Also called: Cardiomyopathies. Identifiers: Orphanet 167848, MedGen C0878544, MONDO:0004994, HP:0001638. Inheritance: Various modes of inheritance.
Catecholaminergic polymorphic ventricular tachycardia (CVPT). Also called: Catecholamine-induced polymorphic ventricular tachycardia. Identifiers: Orphanet 3286, MedGen C5574922, MONDO:0017990.

Submissions (2):

Color Diagnostics, LLC DBA Color Health
Classification: Uncertain significance for Cardiomyopathy. Last evaluated: 2024-03-06. Review status: criteria provided, single submitter. Criteria: ACMG Guidelines, 2015. Collection method: clinical testing. Allele origin: germline.
Comment: This missense variant replaces threonine with serine at codon 4727 of the RYR2 protein. Computational prediction is inconclusive regarding the impact of this variant on protein structure and function (internally defined REVEL score threshold 0.5 < inconclusive < 0.7, PMID: 27666373). To our knowledge, functional studies have not been reported for this variant. This variant has not been reported in individuals affected with RYR2-related disorders in the literature. This variant has not been identified in the general population by the Genome Aggregation Database (gnomAD). The available evidence is insufficient to determine the role of this variant in disease conclusively. Therefore, this variant is classified as a Variant of Uncertain Significance.

All of Us Research Program, National Institutes of Health
Classification: Uncertain significance for Catecholaminergic polymorphic ventricular tachycardia. Last evaluated: 2023-03-09. Review status: criteria provided, single submitter. Criteria: ACMG Guidelines, 2015. Collection method: clinical testing. Allele origin: germline. Inheritance: Autosomal dominant inheritance. Observed: 1 variant allele, 1 heterozygote.
Comment: This missense variant replaces threonine with serine at codon 4727 of the RYR2 protein. Computational prediction is inconclusive regarding the impact of this variant on protein structure and function (internally defined REVEL score threshold 0.5 < inconclusive < 0.7, PMID: 27666373). To our knowledge, functional studies have not been reported for this variant. This variant has not been reported in individuals affected with cardiovascular disorders in the literature. This variant has not been identified in the general population by the Genome Aggregation Database (gnomAD). The available evidence is insufficient to determine the role of this variant in disease conclusively. Therefore, this variant is classified as a Variant of Uncertain Significance.

This study involves interpretation of variants in research participants for the purpose of population health screening. Participant phenotype was not available at the time of variant classification. Additional details can be found in publication PMID: 35346344, PMCID: PMC8962531

NM_001035.3(RYR2):c.14179A>T (p.Thr4727Ser)

Gene: RYR2 (ryanodine receptor 2; plus strand). Cytogenetic location: 1q43.
Variant type: single nucleotide variant.
Coding change: c.14179A>T on transcript NM_001035.3 (MANE Select); coding-DNA position 14179, A replaced by T.
Protein change: p.Thr4727Ser; replaces threonine 4727 with serine.
Molecular consequence: missense variant.
Genome position (GRCh38, 1-based): chr1:237,806,164, A>T. VCF-style: chr1-237806164-A-T. GRCh37 (hg19) VCF-style: chr1-237969464-A-T.
Other names: short protein forms T4727S.
Identifiers: ClinVar variation 1172412 (VCV001172412.5), dbSNP rs2149437498, ClinGen allele CA345422721.
Genomic context (GRCh38, chr1:237,806,164, plus strand): 5'-GACATGTTCTTTCCCCCCGTTTTGTCTTAATAGTCCTTCCTCTACCTAGCCTGGTATATG[A>T]CTATGTCTGTTCTTGGACACTATAACAACTTTTTTTTTGCCGCTCACCTTCTCGACATTG-3'
Protein context (NP_001026.2, residues 4717-4737): NSFLYLAWYM[Thr4727Ser]MSVLGHYNNF